The following is an entry in ClinVar:

NM_145262.4(GLYCTK):c.691G>A (p.Ala231Thr)

Gene: GLYCTK (glycerate kinase; plus strand). Cytogenetic location: 3p21.2.
Variant type: single nucleotide variant.
Coding change: c.691G>A on transcript NM_145262.4 (MANE Select); coding-DNA position 691, G replaced by A.
Protein change: p.Ala231Thr; replaces alanine 231 with threonine.
Molecular consequence: missense variant. On other transcripts: non-coding transcript variant (3), intron variant (1).
Genome position (GRCh38, 1-based): chr3:52,291,908, G>A. VCF-style: chr3-52291908-G-A. GRCh37 (hg19) VCF-style: chr3-52325924-G-A.
Other names: c.530-352G>A (NM_001144951.2); c.691G>A (NM_145262.3); short protein forms A231T.
Identifiers: ClinVar variation 2013629 (VCV002013629.2), dbSNP rs777680814, ClinGen allele CA2432151.

ClinVar aggregate classification (germline): Uncertain significance. Review status: criteria provided, multiple submitters, no conflicts (2 of 4 stars). 2 submissions from 2 submitters: Uncertain significance (2). Last evaluated 2025-01-02.

Allele frequency attached by ClinVar (database versions not stated): gnomAD exomes 0.00001; TOPMed 0.00002; ExAC 0.00003.

Submissions (2):

Ambry Genetics
Classification: Uncertain significance. Last evaluated: 2025-01-02. Review status: criteria provided, single submitter. Criteria: Ambry Variant Classification Scheme 2023. Collection method: clinical testing. Allele origin: germline.

Labcorp Genetics (formerly Invitae), Labcorp
Classification: Uncertain significance. Last evaluated: 2022-06-10. Review status: criteria provided, single submitter. Criteria: Invitae Variant Classification Sherloc (09022015). Collection method: clinical testing. Allele origin: germline.
Comment: This sequence change replaces alanine, which is neutral and non-polar, with threonine, which is neutral and polar, at codon 231 of the GLYCTK protein (p.Ala231Thr). This variant is present in population databases (rs777680814, gnomAD 0.006%). This variant has not been reported in the literature in individuals affected with GLYCTK-related conditions. Algorithms developed to predict the effect of missense changes on protein structure and function are either unavailable or do not agree on the potential impact of this missense change (SIFT: "Tolerated"; PolyPhen-2: "Possibly Damaging"; Align-GVGD: "Class C0"). In summary, the available evidence is currently insufficient to determine the role of this variant in disease. Therefore, it has been classified as a Variant of Uncertain Significance.